The following is an entry in ClinVar:

ClinVar aggregate classification (germline): Uncertain significance (1 of 4 stars; one submission).

Allele frequency attached by ClinVar (database versions not stated): TOPMed 0.00001.
gnomAD v4.1: 4 of 1,614,262 alleles (0.00025%); highest among the groups gnomAD compares: Non-Finnish European, 0.00034%; no homozygotes.

Submission:

Labcorp Genetics (formerly Invitae), Labcorp
Classification: Uncertain significance. Last evaluated: 2021-10-31. Review status: criteria provided, single submitter. Criteria: Invitae Variant Classification Sherloc (09022015). Collection method: clinical testing. Allele origin: germline.
Comment: In summary, the available evidence is currently insufficient to determine the role of this variant in disease. Therefore, it has been classified as a Variant of Uncertain Significance. Advanced modeling of protein sequence and biophysical properties (such as structural, functional, and spatial information, amino acid conservation, physicochemical variation, residue mobility, and thermodynamic stability) performed at Invitae indicates that this missense variant is expected to disrupt DUOX2 protein function. This variant has not been reported in the literature in individuals affected with DUOX2-related conditions. This variant is not present in population databases (gnomAD no frequency). This sequence change replaces serine, which is neutral and polar, with arginine, which is basic and polar, at codon 1214 of the DUOX2 protein (p.Ser1214Arg).

NM_001363711.2(DUOX2):c.3642C>A (p.Ser1214Arg)

Gene: DUOX2 (dual oxidase 2; minus strand). Cytogenetic location: 15q21.1.
Variant type: single nucleotide variant.
Coding change: c.3642C>A on transcript NM_001363711.2 (MANE Select); coding-DNA position 3642, C replaced by A.
Protein change: p.Ser1214Arg; replaces serine 1214 with arginine.
Molecular consequence: missense variant.
Genome position (GRCh38, 1-based): chr15:45,097,665, G>T on the plus strand (C>A on the coding strand, the complement: DUOX2 is on the minus strand). VCF-style: chr15-45097665-G-T. GRCh37 (hg19) VCF-style: chr15-45389863-G-T.
Other names: c.3642C>A, p.Ser1214Arg (NM_014080.5); short protein forms S1214R.
Identifiers: ClinVar variation 1485835 (VCV001485835.6), dbSNP rs1348262999, ClinGen allele CA392255976.